The following is an entry in ClinVar:

NM_003036.4(SKI):c.1204C>G (p.Arg402Gly)

Gene: SKI (SKI proto-oncogene; plus strand). Cytogenetic location: 1p36.32.
Variant type: single nucleotide variant.
Coding change: c.1204C>G on transcript NM_003036.4 (MANE Select); coding-DNA position 1204, C replaced by G.
Protein change: p.Arg402Gly; replaces arginine 402 with glycine.
Molecular consequence: missense variant.
Genome position (GRCh38, 1-based): chr1:2,303,393, C>G. VCF-style: chr1-2303393-C-G. GRCh37 (hg19) VCF-style: chr1-2234832-C-G.
Other names: short protein forms R402G.
Identifiers: ClinVar variation 1748359 (VCV001748359.2), dbSNP rs1640477163, ClinGen allele CA337954656.

ClinVar aggregate classification (germline): Uncertain significance (1 of 4 stars; one submission).

Conditions:
Familial thoracic aortic aneurysm and aortic dissection (TAAD). Also called: Thoracic aortic aneurysms and dissections. Identifiers: Orphanet 91387, MedGen C4707243, MONDO:0019625.

Allele frequency attached by ClinVar (database versions not stated): TOPMed 0.00001.

Submission:

Ambry Genetics
Classification: Uncertain significance for Familial thoracic aortic aneurysm and aortic dissection. Last evaluated: 2021-07-27. Review status: criteria provided, single submitter. Criteria: Ambry Variant Classification Scheme 2023. Collection method: clinical testing. Allele origin: germline.
Comment: The p.R402G variant (also known as c.1204C>G), located in coding exon 3 of the SKI gene, results from a C to G substitution at nucleotide position 1204. The arginine at codon 402 is replaced by glycine, an amino acid with dissimilar properties. This amino acid position is conserved. In addition, this alteration is predicted to be deleterious by in silico analysis. Since supporting evidence is limited at this time, the clinical significance of this alteration remains unclear.